The following is an entry in ClinVar:

NM_001353345.2(SETD1B):c.3287C>T (p.Ser1096Phe)

Gene: SETD1B (SET domain containing 1B, histone lysine methyltransferase; plus strand). Cytogenetic location: 12q24.31.
Variant type: single nucleotide variant.
Coding change: c.3287C>T on transcript NM_001353345.2 (MANE Select); coding-DNA position 3287, C replaced by T.
Protein change: p.Ser1096Phe; replaces serine 1096 with phenylalanine.
Molecular consequence: missense variant.
Genome position (GRCh38, 1-based): chr12:121,817,679, C>T. VCF-style: chr12-121817679-C-T. GRCh37 (hg19) VCF-style: chr12-122255585-C-T.
Other names: short protein forms S1096F.
Identifiers: ClinVar variation 3911005 (VCV003911005.5).

ClinVar aggregate classification (germline): Likely benign. Review status: criteria provided, multiple submitters, no conflicts (2 of 4 stars). 2 submissions from 2 submitters: Likely benign (2). Last evaluated 2026-01-01.

gnomAD v4.1: 94 of 1,549,928 alleles (0.0061%); highest among the groups gnomAD compares: South Asian, 0.013%; no homozygotes.

Submissions (2):

CeGaT Center for Human Genetics Tuebingen
Classification: Likely benign. Last evaluated: 2026-01-01. Review status: criteria provided, single submitter. Criteria: CeGaT Center For Human Genetics Tuebingen Variant Classification Criteria Version 2. Collection method: clinical testing. Allele origin: germline. Affected: yes. Observed: 1 variant allele.
Comment: SETD1B: BS2

Laboratory of Genetics, Children's Clinical University Hospital Latvia
Classification: Likely benign. Last evaluated: 2025-02-16. Review status: criteria provided, single submitter. Criteria: ACMG Guidelines, 2015. Collection method: clinical testing. Allele origin: germline. Affected: yes.